The following is an entry in ClinVar:

ClinVar aggregate classification (germline): Likely benign (0 of 4 stars; one submission).

Conditions:
DVL3-related disorder. Also called: DVL3-related condition.

Submission:

PreventionGenetics, part of Exact Sciences
Classification: Likely benign for DVL3-related condition. Last evaluated: 2023-07-06. Review status: no assertion criteria provided. Collection method: clinical testing. Allele origin: germline.
Comment: This variant is classified as likely benign based on ACMG/AMP sequence variant interpretation guidelines (Richards et al. 2015 PMID: 25741868, with internal and published modifications).

NM_004423.4(DVL3):c.339A>T (p.Arg113=)

Gene: DVL3 (dishevelled segment polarity protein 3; plus strand). Cytogenetic location: 3q27.1.
Variant type: single nucleotide variant.
Coding change: c.339A>T on transcript NM_004423.4 (MANE Select); coding-DNA position 339, A replaced by T.
Protein change: p.Arg113=; no amino-acid change (arginine 113 retained).
Molecular consequence: synonymous variant.
Genome position (GRCh38, 1-based): chr3:184,164,374, A>T. VCF-style: chr3-184164374-A-T. GRCh37 (hg19) VCF-style: chr3-183882162-A-T.
Identifiers: ClinVar variation 3048202 (VCV003048202.2), dbSNP rs2473697509, ClinGen allele CA437323948.